The following is an entry in ClinVar:

NM_001197104.2(KMT2A):c.3649_3654del (p.Glu1217_Lys1218del)

Gene: KMT2A (lysine methyltransferase 2A; plus strand). Cytogenetic location: 11q23.3.
Variant type: Deletion.
Coding change: c.3649_3654del on transcript NM_001197104.2 (MANE Select); coding-DNA positions 3649 to 3654, 6 bases deleted (GAGAAA; older notation c.3649_3654delGAGAAA).
Protein change: p.Glu1217_Lys1218del.
Molecular consequence: inframe deletion.
Genome position (GRCh38, 1-based): chr11:118,481,729-118,481,734, GAGAAA deleted; deleting any 6 consecutive bases within chr11:118,481,724-118,481,734 gives the same sequence; the c. name uses the placement nearest the transcript's 3' end. VCF-style (leftmost placement, unchanged base first): chr11-118481723-AAGAAAG-A. GRCh37 (hg19) VCF-style: chr11-118352438-AAGAAAG-A.
Other names: c.3748_3753del, p.Glu1250_Lys1251del (NM_001412597.1); c.3649_3654del, p.Glu1217_Lys1218del (NM_005933.4).
Identifiers: ClinVar variation 3015651 (VCV003015651.3), dbSNP rs1245434285, ClinGen allele CA602153288.

ClinVar aggregate classification (germline): Uncertain significance (1 of 4 stars; one submission).

Submission:

Labcorp Genetics (formerly Invitae), Labcorp
Classification: Uncertain significance. Last evaluated: 2023-11-18. Review status: criteria provided, single submitter. Criteria: Invitae Variant Classification Sherloc (09022015). Collection method: clinical testing. Allele origin: germline.
Comment: This variant, c.3649_3654del, results in the deletion of 2 amino acid(s) of the KMT2A protein (p.Glu1217_Lys1218del), but otherwise preserves the integrity of the reading frame. This variant is present in population databases (no rsID available, gnomAD 0.002%). This variant has not been reported in the literature in individuals affected with KMT2A-related conditions. Experimental studies and prediction algorithms are not available or were not evaluated, and the functional significance of this variant is currently unknown. In summary, the available evidence is currently insufficient to determine the role of this variant in disease. Therefore, it has been classified as a Variant of Uncertain Significance.